The following is an entry in ClinVar:

ClinVar aggregate classification (germline): Uncertain significance. Review status: criteria provided, multiple submitters, no conflicts (2 of 4 stars). 2 submissions from 2 submitters: Uncertain significance (2). Last evaluated 2025-11-26.

Conditions:
Inborn genetic diseases. Identifiers: MedGen C0950123, MeSH D030342.

Allele frequency attached by ClinVar (database versions not stated): ExAC 0.00001.
gnomAD v4.1: 22 of 1,613,562 alleles (0.0014%); highest among the groups gnomAD compares: Non-Finnish European, 0.0018%; no homozygotes.

Submissions (2):

Ambry Genetics
Classification: Uncertain significance for Inborn genetic diseases. Last evaluated: 2025-11-26. Review status: criteria provided, single submitter. Criteria: Ambry Variant Classification Scheme 2023. Collection method: clinical testing. Allele origin: germline.

Labcorp Genetics (formerly Invitae), Labcorp
Classification: Uncertain significance. Last evaluated: 2022-11-01. Review status: criteria provided, single submitter. Criteria: Invitae Variant Classification Sherloc (09022015). Collection method: clinical testing. Allele origin: germline.
Comment: In summary, the available evidence is currently insufficient to determine the role of this variant in disease. Therefore, it has been classified as a Variant of Uncertain Significance. Advanced modeling of protein sequence and biophysical properties (such as structural, functional, and spatial information, amino acid conservation, physicochemical variation, residue mobility, and thermodynamic stability) has been performed at Invitae for this missense variant, however the output from this modeling did not meet the statistical confidence thresholds required to predict the impact of this variant on DENND5A protein function. This variant has not been reported in the literature in individuals affected with DENND5A-related conditions. This variant is present in population databases (rs764823802, gnomAD 0.003%). This sequence change replaces glutamine, which is neutral and polar, with histidine, which is basic and polar, at codon 872 of the DENND5A protein (p.Gln872His).

NM_015213.4(DENND5A):c.2616G>C (p.Gln872His)

Gene: DENND5A (DENN domain containing 5A; minus strand). Cytogenetic location: 11p15.4.
Variant type: single nucleotide variant.
Coding change: c.2616G>C on transcript NM_015213.4 (MANE Select); coding-DNA position 2616, G replaced by C.
Protein change: p.Gln872His; replaces glutamine 872 with histidine.
Molecular consequence: missense variant. On other transcripts: non-coding transcript variant (1).
Genome position (GRCh38, 1-based): chr11:9,150,200, C>G on the plus strand (G>C on the coding strand, the complement: DENND5A is on the minus strand). VCF-style: chr11-9150200-C-G. GRCh37 (hg19) VCF-style: chr11-9171747-C-G.
Other names: c.2616G>C, p.Gln872His (NM_001243254.2, NM_001348748.1); c.2544G>C, p.Gln848His (NM_001348749.2); c.2328G>C, p.Gln776His (NM_001348750.2); c.2616G>C (NM_015213.3); short protein forms Q848H, Q872H, Q776H.
Identifiers: ClinVar variation 1961046 (VCV001961046.6), dbSNP rs764823802, ClinGen allele CA5877273.